The following is an entry in ClinVar:

ClinVar aggregate classification (germline): Uncertain significance (1 of 4 stars; one submission).

Conditions:
Hereditary cancer-predisposing syndrome. Also called: Neoplastic Syndromes, Hereditary; Hereditary Cancer Syndrome; Tumor predisposition; Hereditary neoplastic syndrome. Identifiers: Orphanet 140162, MedGen C0027672, MeSH D009386, MONDO:0015356.

gnomAD v4.1: 3 of 1,610,282 alleles (0.00019%); highest among the groups gnomAD compares: Non-Finnish European, 0.00017%; no homozygotes.

Submission:

Ambry Genetics
Classification: Uncertain significance for Hereditary cancer-predisposing syndrome. Last evaluated: 2025-03-01. Review status: criteria provided, single submitter. Criteria: Ambry Variant Classification Scheme 2023. Collection method: clinical testing. Allele origin: germline.
Comment: The p.A44V variant (also known as c.131C>T), located in coding exon 1 of the PTCH1 gene, results from a C to T substitution at nucleotide position 131. The alanine at codon 44 is replaced by valine, an amino acid with similar properties. This amino acid position is conserved. In addition, this alteration is predicted to be tolerated by in silico analysis. Based on the available evidence, the clinical significance of this variant remains unclear.

NM_000264.5(PTCH1):c.131C>T (p.Ala44Val)

Genes: PTCH1 (patched 1; minus strand), LOC130002133 (ATAC-STARR-seq lymphoblastoid silent region 20071; plus strand). Cytogenetic location: 9q22.32.
Variant type: single nucleotide variant.
Coding change: c.131C>T on transcript NM_000264.5 (MANE Select); coding-DNA position 131, C replaced by T.
Protein change: p.Ala44Val; replaces alanine 44 with valine.
Molecular consequence: missense variant. On other transcripts: non-coding transcript variant (1), intron variant (3).
Genome position (GRCh38, 1-based): chr9:95,508,231, G>A on the plus strand (C>T on the coding strand, the complement: PTCH1 is on the minus strand). VCF-style: chr9-95508231-G-A. GRCh37 (hg19) VCF-style: chr9-98270513-G-A.
Other names: c.131C>T, p.Ala44Val (NM_001354918.2); c.199-1632C>T (NM_001083603.3); c.4-1632C>T (NM_001083602.3, NM_001354919.2); short protein forms A44V.
Identifiers: ClinVar variation 3784674 (VCV003784674.1).